The following is an entry in ClinVar:

NM_014049.5(ACAD9):c.453+2T>A

Gene: ACAD9 (acyl-CoA dehydrogenase family member 9; plus strand). Cytogenetic location: 3q21.3.
Variant type: single nucleotide variant.
Coding change: c.453+2T>A on transcript NM_014049.5 (MANE Select); the canonical splice donor site of the intron after coding-DNA position 453, T replaced by A.
Molecular consequence: splice donor variant.
Genome position (GRCh38, 1-based): chr3:128,895,418, T>A. VCF-style: chr3-128895418-T-A. GRCh37 (hg19) VCF-style: chr3-128614261-T-A.
Other names: c.84+2T>A (NM_001410805.1).
Identifiers: ClinVar variation 631903 (VCV000631903.13), dbSNP rs1179305061, ClinGen allele CA354433298.

ClinVar aggregate classification (germline): Likely pathogenic. Review status: criteria provided, multiple submitters, no conflicts (2 of 4 stars). 4 submissions from 4 submitters: Likely pathogenic (4). Last evaluated 2025-09-04.

Conditions:
Acyl-CoA dehydrogenase 9 deficiency. Also called: Acyl-CoA dehydrogenase family, member 9, deficiency of; MITOCHONDRIAL COMPLEX I DEFICIENCY, NUCLEAR TYPE 20. Identifiers: Orphanet 99901, MedGen C4747517, MONDO:0012624, OMIM 611126.

Allele frequency attached by ClinVar (database versions not stated): gnomAD exomes below 0.00001; TOPMed below 0.00001; gnomAD 0.00001.

Submissions (4):

Labcorp Genetics (formerly Invitae), Labcorp
Classification: Likely pathogenic. Last evaluated: 2025-09-04. Review status: criteria provided, single submitter. Criteria: Invitae Variant Classification Sherloc (09022015). Collection method: clinical testing. Allele origin: germline.
Comment: This sequence change affects a donor splice site in intron 4 of the ACAD9 gene. It is expected to disrupt RNA splicing. Variants that disrupt the donor or acceptor splice site typically lead to a loss of protein function (PMID: 16199547), and loss-of-function variants in ACAD9 are known to be pathogenic (PMID: 25721401). This variant is present in population databases (no rsID available, gnomAD 0.001%). This variant has not been reported in the literature in individuals affected with ACAD9-related conditions. ClinVar contains an entry for this variant (Variation ID: 631903). Algorithms developed to predict the effect of sequence changes on RNA splicing suggest that this variant may disrupt the consensus splice site. In summary, the currently available evidence indicates that the variant is pathogenic, but additional data are needed to prove that conclusively. Therefore, this variant has been classified as Likely Pathogenic.

Natera, Inc.
Classification: Likely pathogenic for ACAD9 deficiency. Last evaluated: 2025-04-29. Review status: criteria provided, single submitter. Criteria: Natera Variant Classification Schema (03/2026). Collection method: clinical testing. Allele origin: germline.
Comment: The c.453+2T>A variant in ACAD9 is a canonical splice donor site variant predicted to affect pre-mRNA splicing, which may result in an abnormal transcript and altered protein product. This variant is expected to result in nonsense mediated decay, truncation, or a dysfunctional protein product. This variant is rare in the general population with a frequency below the threshold expected for the associated phenotype(s). Given the available evidence, this variant is classified as Likely Pathogenic.

Fulgent Genetics
Classification: Likely pathogenic for Acyl-CoA dehydrogenase 9 deficiency. Last evaluated: 2023-12-30. Review status: criteria provided, single submitter. Criteria: ACMG Guidelines, 2015. Collection method: clinical testing. Allele origin: germline.

MGZ Medical Genetics Center
Classification: Likely pathogenic for Acyl-CoA dehydrogenase 9 deficiency. Last evaluated: 2021-08-11. Review status: criteria provided, single submitter. Criteria: ACMG Guidelines, 2015. Collection method: clinical testing. Allele origin: germline. Affected: yes. Observed: 1 variant allele.
Comment: ACMG criteria applied: PVS1, PM2_SUP

Literature cited by the submitters: PubMed 16199547 (cited by Labcorp Genetics (formerly Invitae), Labcorp); PubMed 25721401 (cited by Labcorp Genetics (formerly Invitae), Labcorp).